The following is an entry in ClinVar:

ClinVar aggregate classification (germline): Uncertain significance. Review status: criteria provided, multiple submitters, no conflicts (2 of 4 stars). 2 submissions from 2 submitters: Uncertain significance (2). Last evaluated 2025-10-06.

Conditions:
Hereditary cancer-predisposing syndrome. Also called: Neoplastic Syndromes, Hereditary; Hereditary Cancer Syndrome; Hereditary neoplastic syndrome; Tumor predisposition. Identifiers: Orphanet 140162, MedGen C0027672, MeSH D009386, MONDO:0015356.
Gastrointestinal stromal tumor. Also called: Gastrointestinal stroma tumor; Gastrointestinal stromal tumor, somatic. Identifiers: Orphanet 44890, MedGen C0238198, MeSH D046152, MONDO:0011719, OMIM 606764, HP:0100723.

Allele frequency attached by ClinVar (database versions not stated): gnomAD exomes below 0.00001.
gnomAD v4.1: 2 of 1,614,180 alleles (0.00012%); highest among the groups gnomAD compares: Non-Finnish European, 0.00017%; no homozygotes.

Submissions (2):

Labcorp Genetics (formerly Invitae), Labcorp
Classification: Uncertain significance for Gastrointestinal stromal tumor. Last evaluated: 2025-10-06. Review status: criteria provided, single submitter. Criteria: Invitae Variant Classification Sherloc (09022015). Collection method: clinical testing. Allele origin: germline.
Comment: This sequence change replaces threonine, which is neutral and polar, with alanine, which is neutral and non-polar, at codon 574 of the KIT protein (p.Thr574Ala). This variant is not present in population databases (gnomAD no frequency). This variant has not been reported in the literature in individuals affected with KIT-related conditions. ClinVar contains an entry for this variant (Variation ID: 409738). An algorithm developed to predict the effect of missense changes on protein structure and function (PolyPhen-2) suggests that this variant is likely to be tolerated. In summary, the available evidence is currently insufficient to determine the role of this variant in disease. Therefore, it has been classified as a Variant of Uncertain Significance.

Ambry Genetics
Classification: Uncertain significance for Hereditary cancer-predisposing syndrome. Last evaluated: 2025-06-16. Review status: criteria provided, single submitter. Criteria: Ambry Variant Classification Scheme 2023. Collection method: clinical testing. Allele origin: germline.
Comment: The p.T574A variant (also known as c.1720A>G), located in coding exon 11 of the KIT gene, results from an A to G substitution at nucleotide position 1720. The threonine at codon 574 is replaced by alanine, an amino acid with similar properties. This amino acid position is highly conserved in available vertebrate species. In addition, this alteration is predicted to be deleterious by in silico analysis. Based on the available evidence, the clinical significance of this variant remains unclear.

NM_000222.3(KIT):c.1720A>G (p.Thr574Ala)

Gene: KIT (KIT proto-oncogene, receptor tyrosine kinase; plus strand). Cytogenetic location: 4q12.
Variant type: single nucleotide variant.
Coding change: c.1720A>G on transcript NM_000222.3 (MANE Select); coding-DNA position 1720, A replaced by G.
Protein change: p.Thr574Ala; replaces threonine 574 with alanine.
Molecular consequence: missense variant.
Genome position (GRCh38, 1-based): chr4:54,727,488, A>G. VCF-style: chr4-54727488-A-G. GRCh37 (hg19) VCF-style: chr4-55593654-A-G.
Other names: c.1708A>G, p.Thr570Ala (NM_001093772.2, NM_001385286.1); c.1723A>G, p.Thr575Ala (NM_001385284.1, NM_001385290.1); c.1720A>G, p.Thr574Ala (NM_001385285.1); c.1711A>G, p.Thr571Ala (NM_001385288.1, NM_001385292.1); short protein forms T574A, T570A, T571A, T575A.
Identifiers: ClinVar variation 409738 (VCV000409738.13), dbSNP rs1060502550, ClinGen allele CA16611506.